The following is an entry in ClinVar:

NM_001365693.1(MGAM):c.4503G>A (p.Thr1501=)

Gene: MGAM (maltase-glucoamylase; plus strand). Cytogenetic location: 7q34.
Variant type: single nucleotide variant.
Coding change: c.4503G>A on transcript NM_001365693.1 (MANE Select); coding-DNA position 4503, G replaced by A.
Protein change: p.Thr1501=; no amino-acid change (threonine 1501 retained).
Molecular consequence: synonymous variant.
Genome position (GRCh38, 1-based): chr7:142,065,353, G>A. VCF-style: chr7-142065353-G-A. GRCh37 (hg19) VCF-style: chr7-141765153-G-A.
Other names: c.4503G>A, p.Thr1501= (NM_004668.3).
Identifiers: ClinVar variation 2658101 (VCV002658101.24), dbSNP rs3087321, ClinGen allele CA168122583.

ClinVar aggregate classification (germline): Likely benign (1 of 4 stars; one submission).

Allele frequency attached by ClinVar (database versions not stated): TOPMed 0.00194; 1000 Genomes Project 0.00200; 1000 Genomes Project 30x 0.00203; gnomAD 0.00203; ESP Exome Variant Server 0.00265; ExAC 0.00295.
gnomAD v4.1: 4,709 of 1,609,538 alleles (0.29%); highest among the groups gnomAD compares: South Asian, 0.79%; 23 homozygotes.

Submission:

CeGaT Center for Human Genetics Tuebingen
Classification: Likely benign. Last evaluated: 2022-08-01. Review status: criteria provided, single submitter. Criteria: CeGaT Center For Human Genetics Tuebingen Variant Classification Criteria Version 2. Collection method: clinical testing. Allele origin: germline. Affected: yes. Observed: 1 variant allele.
Comment: MGAM: BP4, BP7